The following is an entry in ClinVar:

ClinVar aggregate classification (germline): Uncertain significance (1 of 4 stars; one submission).

Allele frequency attached by ClinVar (database versions not stated): ExAC 0.02941.

Submission:

Women's Health and Genetics/Laboratory Corporation of America, LabCorp
Classification: Uncertain significance. Last evaluated: 2018-01-03. Review status: criteria provided, single submitter. Criteria: LabCorp Variant Classification Summary - May 2015. Collection method: clinical testing. Allele origin: germline.
Comment: Variant summary: The GALC c.1162-4T>A variant involves the alteration of a non-conserved intronic nucleotide. One in silico tool predicts a damaging outcome for this variant. 4/5 splice prediction tools predict no significant impact on normal splicing. However, these predictions have yet to be confirmed by functional studies. This variant is absent in 240574 control chromosomes in gnomAD. The variant of interest has not, to our knowledge, been reported in affected individuals via publications and/or reputable databases/clinical diagnostic laboratories; nor evaluated for functional impact by in vivo/vitro studies. Because of the absence of clinical information and the lack of functional studies, the variant is classified as a variant of uncertain significance (VUS) until additional information becomes available.

NM_000153.4(GALC):c.1162-4T>A

Gene: GALC (galactosylceramidase; minus strand). Cytogenetic location: 14q31.3.
Variant type: single nucleotide variant.
Coding change: c.1162-4T>A on transcript NM_000153.4 (MANE Select); 4 bases into the intron before coding-DNA position 1162, T replaced by A.
Molecular consequence: intron variant.
Genome position (GRCh38, 1-based): chr14:87,950,752, A>T on the plus strand (T>A on the coding strand, the complement: GALC is on the minus strand). VCF-style: chr14-87950752-A-T. GRCh37 (hg19) VCF-style: chr14-88417096-A-T.
Other names: c.1084-4T>A (NM_001201402.2); c.1093-4T>A (NM_001201401.2).
Identifiers: ClinVar variation 633228 (VCV000633228.1), dbSNP rs774455523, ClinGen allele CA7297107.